The following is an entry in ClinVar:

ClinVar aggregate classification (germline): Uncertain significance (1 of 4 stars; one submission).

Conditions:
Brachyolmia-amelogenesis imperfecta syndrome. Also called: PLATYSPONDYLY WITH AMELOGENESIS IMPERFECTA; Tooth agenesis, selective, 6; Dental anomalies and short stature. Identifiers: Orphanet 2899, MedGen C1832594, MONDO:0011018, OMIM 601216. Disease mechanism: loss of function.

Submission:

Labcorp Genetics (formerly Invitae), Labcorp
Classification: Uncertain significance for Brachyolmia-amelogenesis imperfecta syndrome. Last evaluated: 2024-11-14. Review status: criteria provided, single submitter. Criteria: Invitae Variant Classification Sherloc (09022015). Collection method: clinical testing. Allele origin: germline.
Comment: This sequence change replaces serine, which is neutral and polar, with arginine, which is basic and polar, at codon 1193 of the LTBP3 protein (p.Ser1193Arg). This variant is not present in population databases (gnomAD no frequency). This variant has not been reported in the literature in individuals affected with LTBP3-related conditions. An algorithm developed to predict the effect of missense changes on protein structure and function (PolyPhen-2) suggests that this variant is likely to be disruptive. In summary, the available evidence is currently insufficient to determine the role of this variant in disease. Therefore, it has been classified as a Variant of Uncertain Significance.

NM_001130144.3(LTBP3):c.3579C>G (p.Ser1193Arg)

Gene: LTBP3 (latent transforming growth factor beta binding protein 3; minus strand). Cytogenetic location: 11q13.1.
Variant type: single nucleotide variant.
Coding change: c.3579C>G on transcript NM_001130144.3 (MANE Select); coding-DNA position 3579, C replaced by G.
Protein change: p.Ser1193Arg; replaces serine 1193 with arginine.
Molecular consequence: missense variant.
Genome position (GRCh38, 1-based): chr11:65,539,597, G>C on the plus strand (C>G on the coding strand, the complement: LTBP3 is on the minus strand). VCF-style: chr11-65539597-G-C. GRCh37 (hg19) VCF-style: chr11-65307068-G-C.
Other names: c.3087C>G, p.Ser1029Arg (NM_001164266.1); c.3438C>G, p.Ser1146Arg (NM_021070.4); short protein forms S1193R, S1029R, S1146R.
Identifiers: ClinVar variation 3693343 (VCV003693343.2).
Genomic context (GRCh38, chr11:65,539,597, plus strand): 5'-GCAGCACTCACCTCTTGGGGGCTTCCCCAACAGCAGGGGGCTTGTGTCCCAGAAGGAATT[G>C]CTCTCGCTCTGCGATGTCGGGCAATGGGACCCTGGGAGGAGCAGAACTGGTCAGCGACGT-3'
Protein context (NP_001123616.1, residues 1183-1203): GSHCPTSQSE[Ser1193Arg]NSFWDTSPLL